The following is an entry in ClinVar:

NM_001035.3(RYR2):c.13224C>G (p.Asn4408Lys)

Genes: RYR2 (ryanodine receptor 2; plus strand), LOC126806068 (BRD4-independent group 4 enhancer GRCh37_chr1:237947411-237948610; plus strand). Cytogenetic location: 1q43.
Variant type: single nucleotide variant.
Coding change: c.13224C>G on transcript NM_001035.3 (MANE Select); coding-DNA position 13224, C replaced by G.
Protein change: p.Asn4408Lys; replaces asparagine 4408 with lysine.
Molecular consequence: missense variant.
Genome position (GRCh38, 1-based): chr1:237,784,936, C>G. VCF-style: chr1-237784936-C-G. GRCh37 (hg19) VCF-style: chr1-237948236-C-G.
Other names: short protein forms N4408K.
Identifiers: ClinVar variation 2142556 (VCV002142556.4), dbSNP rs781769630, ClinGen allele CA345415619.

ClinVar aggregate classification (germline): Uncertain significance. Review status: criteria provided, multiple submitters, no conflicts (2 of 4 stars). 2 submissions from 2 submitters: Uncertain significance (2). Last evaluated 2024-05-30.

Conditions:
Catecholaminergic polymorphic ventricular tachycardia 1. Also called: VENTRICULAR TACHYCARDIA, STRESS-INDUCED POLYMORPHIC 1; VENTRICULAR TACHYCARDIA, CATECHOLAMINERGIC POLYMORPHIC, 1, WITH OR WITHOUT ATRIAL DYSFUNCTION AND/OR DILATED CARDIOMYOPATHY; RYR2-Related Catecholaminergic Polymorphic Ventricular Tachycardia. Identifiers: Orphanet 3286, MedGen C1631597, MONDO:0011484, OMIM 604772.
Catecholaminergic polymorphic ventricular tachycardia (CVPT). Also called: Catecholamine-induced polymorphic ventricular tachycardia. Identifiers: Orphanet 3286, MedGen C5574922, MONDO:0017990.

gnomAD v4.1: 1 of 1,604,936 alleles (0.000062%); no homozygotes.

Submissions (2):

All of Us Research Program, National Institutes of Health
Classification: Uncertain significance for Catecholaminergic polymorphic ventricular tachycardia. Last evaluated: 2024-05-30. Review status: criteria provided, single submitter. Criteria: ACMG Guidelines, 2015. Collection method: clinical testing. Allele origin: germline. Inheritance: Autosomal dominant inheritance. Observed: 1 variant allele, 1 heterozygote.
Comment: This missense variant replaces asparagine with lysine at codon 4408 of the RYR2 protein. Computational prediction suggests that this variant may not impact protein structure and function (internally defined REVEL score threshold <= 0.5, PMID: 27666373). To our knowledge, functional studies have not been reported for this variant. This variant has not been reported in individuals affected with RYR2-related disorders in the literature. This variant has not been identified in the general population by the Genome Aggregation Database (gnomAD). The available evidence is insufficient to determine the role of this variant in disease conclusively. Therefore, this variant is classified as a Variant of Uncertain Significance.

This study involves interpretation of variants in research participants for the purpose of population health screening. Participant phenotype was not available at the time of variant classification. Additional details can be found in publication PMID: 35346344, PMCID: PMC8962531

Labcorp Genetics (formerly Invitae), Labcorp
Classification: Uncertain significance for Catecholaminergic polymorphic ventricular tachycardia 1. Last evaluated: 2022-03-08. Review status: criteria provided, single submitter. Criteria: Invitae Variant Classification Sherloc (09022015). Collection method: clinical testing. Allele origin: germline.
Comment: In summary, the available evidence is currently insufficient to determine the role of this variant in disease. Therefore, it has been classified as a Variant of Uncertain Significance. Advanced modeling of protein sequence and biophysical properties (such as structural, functional, and spatial information, amino acid conservation, physicochemical variation, residue mobility, and thermodynamic stability) performed at Invitae indicates that this missense variant is not expected to disrupt RYR2 protein function. This variant has not been reported in the literature in individuals affected with RYR2-related conditions. This variant is not present in population databases (gnomAD no frequency). This sequence change replaces asparagine, which is neutral and polar, with lysine, which is basic and polar, at codon 4408 of the RYR2 protein (p.Asn4408Lys).